The following is an entry in ClinVar:

NM_003240.5(LEFTY2):c.941G>A (p.Arg314Gln)

Gene: LEFTY2 (left-right determination factor 2; minus strand). Cytogenetic location: 1q42.12.
Variant type: single nucleotide variant.
Coding change: c.941G>A on transcript NM_003240.5 (MANE Select); coding-DNA position 941, G replaced by A.
Protein change: p.Arg314Gln; replaces arginine 314 with glutamine.
Molecular consequence: missense variant.
Genome position (GRCh38, 1-based): chr1:225,937,601, C>T on the plus strand (G>A on the coding strand, the complement: LEFTY2 is on the minus strand). VCF-style: chr1-225937601-C-T. GRCh37 (hg19) VCF-style: chr1-226125301-C-T.
Other names: c.839G>A, p.Arg280Gln (NM_001172425.3); c.941G>A (NM_003240.3); short protein forms R280Q, R314Q.
Identifiers: ClinVar variation 3680954 (VCV003680954.3).

ClinVar aggregate classification (germline): Uncertain significance. Review status: criteria provided, multiple submitters, no conflicts (2 of 4 stars). 2 submissions from 2 submitters: Uncertain significance (2). Last evaluated 2025-06-19.

Conditions:
Left-right axis malformations. Identifiers: MedGen C1866091.

gnomAD v4.1: 39 of 1,614,008 alleles (0.0024%); highest among the groups gnomAD compares: African/African-American, 0.016%; no homozygotes.

Submissions (2):

Ambry Genetics
Classification: Uncertain significance. Last evaluated: 2025-06-19. Review status: criteria provided, single submitter. Criteria: Ambry Variant Classification Scheme 2023. Collection method: clinical testing. Allele origin: germline.

Labcorp Genetics (formerly Invitae), Labcorp
Classification: Uncertain significance for Left-right axis malformations. Last evaluated: 2024-07-05. Review status: criteria provided, single submitter. Criteria: Invitae Variant Classification Sherloc (09022015). Collection method: clinical testing. Allele origin: germline.
Comment: This sequence change replaces arginine, which is basic and polar, with glutamine, which is neutral and polar, at codon 314 of the LEFTY2 protein (p.Arg314Gln). This variant is present in population databases (rs748448462, gnomAD 0.03%). This variant has not been reported in the literature in individuals affected with LEFTY2-related conditions. Advanced modeling of protein sequence and biophysical properties (such as structural, functional, and spatial information, amino acid conservation, physicochemical variation, residue mobility, and thermodynamic stability) has been performed at Invitae for this missense variant, however the output from this modeling did not meet the statistical confidence thresholds required to predict the impact of this variant on LEFTY2 protein function. In summary, the available evidence is currently insufficient to determine the role of this variant in disease. Therefore, it has been classified as a Variant of Uncertain Significance.